The following is an entry in ClinVar:

NM_006005.3(WFS1):c.2664G>A (p.Ser888=)

Gene: WFS1 (wolframin ER transmembrane glycoprotein; plus strand). Cytogenetic location: 4p16.1.
Variant type: single nucleotide variant.
Coding change: c.2664G>A on transcript NM_006005.3 (MANE Select); coding-DNA position 2664, G replaced by A.
Protein change: p.Ser888=; no amino-acid change (serine 888 retained).
Molecular consequence: synonymous variant.
Genome position (GRCh38, 1-based): chr4:6,302,459, G>A. VCF-style: chr4-6302459-G-A. GRCh37 (hg19) VCF-style: chr4-6304186-G-A.
Other names: c.2664G>A, p.Ser888= (NM_001145853.1).
Identifiers: ClinVar variation 906840 (VCV000906840.38), dbSNP rs756116434, ClinGen allele CA2839825.

ClinVar aggregate classification (germline): Conflicting classifications of pathogenicity. Review status: criteria provided, conflicting classifications (1 of 4 stars). 7 submissions from 6 submitters: Uncertain significance (3); Benign (1); Likely benign (3). Last evaluated 2025-10-05.

Conditions:
Wolfram syndrome 1 (WFS1). Identifiers: Orphanet 3463, MedGen C4551693, MONDO:0009101, OMIM 222300.
Autosomal dominant nonsyndromic hearing loss 6 (LFSNHL). Also called: Autosomal dominant nonsyndromic deafness 6; DEAFNESS, AUTOSOMAL DOMINANT 6; DEAFNESS, AUTOSOMAL DOMINANT 14; DEAFNESS, AUTOSOMAL DOMINANT 38. Identifiers: Orphanet 90635, MedGen C1833021, MONDO:0010963, OMIM 600965.
Type 2 diabetes mellitus. Also called: Type II diabetes mellitus. Identifiers: MedGen C0011860, MeSH D003924, MONDO:0005148, OMIM 125853, HP:0005978.
Wolfram-like syndrome. Also called: HEARING LOSS, PROGRESSIVE, WITH OPTIC ATROPHY AND/OR IMPAIRED GLUCOSE REGULATION. Identifiers: Orphanet 411590, MedGen C3280358, MONDO:0013673, OMIM 614296.
Cataract 41 (CTRCT41). Also called: CATARACT 41, CONGENITAL NUCLEAR TYPE. Identifiers: Orphanet 91492, Orphanet 98991, Orphanet 98992, Orphanet 98995, MedGen C3805412, MONDO:0007287, OMIM 116400.
WFS1-Related Spectrum Disorders.

Allele frequency attached by ClinVar (database versions not stated): TOPMed 0.00002; gnomAD 0.00003 and 0.00004.
gnomAD v4.1: 59 of 1,612,580 alleles (0.0037%); highest among the groups gnomAD compares: Non-Finnish European, 0.0045%; no homozygotes.

Submissions (7):

Labcorp Genetics (formerly Invitae), Labcorp
Classification: Likely benign. Last evaluated: 2025-10-05. Review status: criteria provided, single submitter. Criteria: Invitae Variant Classification Sherloc (09022015). Collection method: clinical testing. Allele origin: germline.

Laboratory of Genetics, Children's Clinical University Hospital Latvia
Classification: Likely benign. Last evaluated: 2025-02-16. Review status: criteria provided, single submitter. Criteria: ACMG Guidelines, 2015. Collection method: clinical testing. Allele origin: germline. Affected: yes.

CeGaT Center for Human Genetics Tuebingen
Classification: Likely benign. Last evaluated: 2023-02-01. Review status: criteria provided, single submitter. Criteria: CeGaT Center For Human Genetics Tuebingen Variant Classification Criteria Version 2. Collection method: clinical testing. Allele origin: germline. Affected: yes. Observed: 1 variant allele.
Comment: WFS1: BP4, BP7

Fulgent Genetics
Classification: Uncertain significance for Cataract 41; Type 2 diabetes mellitus; Wolfram syndrome 1; Autosomal dominant nonsyndromic hearing loss 6; Wolfram-like syndrome. Last evaluated: 2022-01-10. Review status: criteria provided, single submitter. Criteria: ACMG Guidelines, 2015. Collection method: clinical testing. Allele origin: unknown.

Illumina Laboratory Services, Illumina
Classification: Uncertain significance for Autosomal dominant nonsyndromic hearing loss 6. Last evaluated: 2018-01-12. Review status: criteria provided, single submitter. Criteria: ICSL Variant Classification Criteria 13 December 2019. Collection method: clinical testing. Allele origin: germline.

Illumina Laboratory Services, Illumina
Classification: Uncertain significance for WFS1-Related Spectrum Disorders. Last evaluated: 2018-01-12. Review status: criteria provided, single submitter. Criteria: ICSL Variant Classification Criteria 13 December 2019. Collection method: clinical testing. Allele origin: germline.

Clinical Genomics, Uppaluri K&H Personalized Medicine Clinic
Classification: Benign for Wolfram syndrome 1. Review status: criteria provided, single submitter. Criteria: K & H Uppaluri Personalized Medicine Clinic Variant Classification & Assertion Criteria_Updated V.1. Collection method: research. Allele origin: unknown. Inheritance: Autosomal recessive inheritance.
Comment: Potent mutations in WFS1 gene are associated with Wolfram's syndrome, an autosomal recessive condition, which cause diabetes mellitus, diabetes insipidus, deafness and optic atrophy.However no sufficient evidence is found to ascertain the role of this particular variant rs756116434 in Wolfram's syndrome yet.

Literature cited by the submitters: PubMed 20738327 (cited by Clinical Genomics, Uppaluri K&H Personalized Medicine Clinic); PubMed 33879153 (cited by Clinical Genomics, Uppaluri K&H Personalized Medicine Clinic); PubMed 12955714 (cited by Clinical Genomics, Uppaluri K&H Personalized Medicine Clinic); PubMed 18060660 (cited by Clinical Genomics, Uppaluri K&H Personalized Medicine Clinic); PubMed 20301750 (cited by Clinical Genomics, Uppaluri K&H Personalized Medicine Clinic); PubMed 17603484 (cited by Clinical Genomics, Uppaluri K&H Personalized Medicine Clinic).